The following is an entry in ClinVar:

NM_201384.3(PLEC):c.10406T>G (p.Ile3469Ser)

Gene: PLEC (plectin; minus strand). Cytogenetic location: 8q24.3.
Variant type: single nucleotide variant.
Coding change: c.10406T>G on transcript NM_201384.3 (MANE Select); coding-DNA position 10406, T replaced by G.
Protein change: p.Ile3469Ser; replaces isoleucine 3469 with serine.
Molecular consequence: missense variant.
Genome position (GRCh38, 1-based): chr8:143,919,415, A>C on the plus strand (T>G on the coding strand, the complement: PLEC is on the minus strand). VCF-style: chr8-143919415-A-C. GRCh37 (hg19) VCF-style: chr8-144993583-A-C.
Other names: c.10487T>G (NM_000445.3); c.10487T>G, p.Ile3496Ser (NM_000445.5); c.7106T>G, p.Ile2369Ser (NM_001410941.1); c.10364T>G, p.Ile3455Ser (NM_201378.4); c.10340T>G, p.Ile3447Ser (NM_201379.3); c.10817T>G, p.Ile3606Ser (NM_201380.4); c.10310T>G, p.Ile3437Ser (NM_201381.3); c.10406T>G, p.Ile3469Ser (NM_201382.4); and 1 more; short protein forms I3455S, I3496S, I3437S, I3469S, I3473S, I3606S, I2369S, I3447S.
Identifiers: ClinVar variation 2074106 (VCV002074106.8), dbSNP rs781883102, ClinGen allele CA4924664.

ClinVar aggregate classification (germline): Uncertain significance. Review status: criteria provided, multiple submitters, no conflicts (2 of 4 stars). 3 submissions from 3 submitters: Uncertain significance (3). Last evaluated 2024-10-22.

Conditions:
Epidermolysis bullosa simplex 5B, with muscular dystrophy (EBS5B). Also called: EPIDERMOLYSIS BULLOSA SIMPLEX AND LIMB-GIRDLE MUSCULAR DYSTROPHY; Epidermolysis bullosa simplex with muscular dystrophy. Identifiers: Orphanet 257, MedGen C2931072, MONDO:0009181, OMIM 226670.
Epidermolysis bullosa simplex 5C, with pyloric atresia (EBS5C). Also called: Epidermolysis bullosa simplex with pyloric atresia; PLEC-Related Epidermolysis Bullosa with Pyloric Atresia; PLEC1-Related Epidermolysis Bullosa with Pyloric Atresia. Identifiers: Orphanet 158684, MedGen C2677349, MONDO:0012807, OMIM 612138.
Epidermolysis bullosa simplex with nail dystrophy (EBS5D). Identifiers: MedGen C4225309, MONDO:0014661, OMIM 616487.
Autosomal recessive limb-girdle muscular dystrophy type 2Q (LGMDR17). Also called: MUSCULAR DYSTROPHY, LIMB-GIRDLE, AUTOSOMAL RECESSIVE 17. Identifiers: Orphanet 254361, MedGen C3150989, MONDO:0013390, OMIM 613723.
Epidermolysis bullosa simplex, Ogna type (EBS5A). Also called: Pidermolysis bullosa simplex 5A, Ogna type; EPIDERMOLYSIS BULLOSA SIMPLEX 5A, OGNA TYPE. Identifiers: Orphanet 79401, MedGen C0432317, MONDO:0007555, OMIM 131950.
Inborn genetic diseases. Identifiers: MedGen C0950123, MeSH D030342.

Allele frequency attached by ClinVar (database versions not stated): TOPMed 0.00001; ExAC 0.00003.
gnomAD v4.1: 6 of 1,613,362 alleles (0.00037%); highest among the groups gnomAD compares: Admixed American, 0.01%; no homozygotes.

Submissions (3):

Ambry Genetics
Classification: Uncertain significance for Inborn genetic diseases. Last evaluated: 2024-10-22. Review status: criteria provided, single submitter. Criteria: Ambry Variant Classification Scheme 2023. Collection method: clinical testing. Allele origin: germline.

Labcorp Genetics (formerly Invitae), Labcorp
Classification: Uncertain significance for Autosomal recessive limb-girdle muscular dystrophy type 2Q; Epidermolysis bullosa simplex, Ogna type; Epidermolysis bullosa simplex with nail dystrophy; Epidermolysis bullosa simplex 5C, with pyloric atresia; Epidermolysis bullosa simplex 5B, with muscular dystrophy. Last evaluated: 2024-07-30. Review status: criteria provided, single submitter. Criteria: Invitae Variant Classification Sherloc (09022015). Collection method: clinical testing. Allele origin: germline.
Comment: This sequence change replaces isoleucine, which is neutral and non-polar, with serine, which is neutral and polar, at codon 3496 of the PLEC protein (p.Ile3496Ser). This variant is present in population databases (rs781883102, gnomAD 0.02%). This variant has not been reported in the literature in individuals affected with PLEC-related conditions. ClinVar contains an entry for this variant (Variation ID: 2074106). Advanced modeling of protein sequence and biophysical properties (such as structural, functional, and spatial information, amino acid conservation, physicochemical variation, residue mobility, and thermodynamic stability) performed at Invitae indicates that this missense variant is not expected to disrupt PLEC protein function with a negative predictive value of 80%. In summary, the available evidence is currently insufficient to determine the role of this variant in disease. Therefore, it has been classified as a Variant of Uncertain Significance.

Revvity Omics, Revvity
Classification: Uncertain significance. Last evaluated: 2019-12-02. Review status: criteria provided, single submitter. Criteria: ACMG Guidelines, 2015. Collection method: clinical testing. Allele origin: germline.